The following is an entry in ClinVar:

NM_201596.3(CACNB2):c.1391C>T (p.Thr464Ile)

Gene: CACNB2 (calcium voltage-gated channel auxiliary subunit beta 2; plus strand). Cytogenetic location: 10p12.31.
Variant type: single nucleotide variant.
Coding change: c.1391C>T on transcript NM_201596.3 (MANE Select); coding-DNA position 1391, C replaced by T.
Protein change: p.Thr464Ile; replaces threonine 464 with isoleucine.
Molecular consequence: missense variant.
Genome position (GRCh38, 1-based): chr10:18,538,268, C>T. VCF-style: chr10-18538268-C-T. GRCh37 (hg19) VCF-style: chr10-18827197-C-T.
Other names: c.1226C>T, p.Thr409Ile (NM_000724.4); c.1193C>T, p.Thr398Ile (NM_001167945.2); c.1112C>T, p.Thr371Ile (NM_001330060.2); c.1133C>T, p.Thr378Ile (NM_001410882.1); c.1247C>T, p.Thr416Ile (NM_201570.3); c.1307C>T, p.Thr436Ile (NM_201571.4); c.1235C>T, p.Thr412Ile (NM_201572.4); c.1229C>T, p.Thr410Ile (NM_201590.3); and 2 more; short protein forms T371I, T416I, T440I, T378I, T398I, T410I, T426I, T464I.
Identifiers: ClinVar variation 1754986 (VCV001754986.2), dbSNP rs760396780, ClinGen allele CA376070360.

ClinVar aggregate classification (germline): Uncertain significance (1 of 4 stars; one submission).

Conditions:
Cardiovascular phenotype. Identifiers: MedGen CN230736.

Submission:

Ambry Genetics
Classification: Uncertain significance for Cardiovascular phenotype. Last evaluated: 2020-03-28. Review status: criteria provided, single submitter. Criteria: Ambry Variant Classification Scheme 2023. Collection method: clinical testing. Allele origin: germline.
Comment: The p.T410I variant (also known as c.1229C>T), located in coding exon 12 of the CACNB2 gene, results from a C to T substitution at nucleotide position 1229. The threonine at codon 410 is replaced by isoleucine, an amino acid with similar properties. This amino acid position is well conserved in available vertebrate species. In addition, this alteration is predicted to be deleterious by in silico analysis. Since supporting evidence is limited at this time, the clinical significance of this alteration remains unclear.